The following is an entry in ClinVar:

NM_000051.4(ATM):c.3878A>G (p.Asn1293Ser)

Gene: ATM (ATM serine/threonine kinase; plus strand). Cytogenetic location: 11q22.3.
Variant type: single nucleotide variant.
Coding change: c.3878A>G on transcript NM_000051.4 (MANE Select); coding-DNA position 3878, A replaced by G.
Protein change: p.Asn1293Ser; replaces asparagine 1293 with serine.
Molecular consequence: missense variant.
Genome position (GRCh38, 1-based): chr11:108,284,358, A>G. VCF-style: chr11-108284358-A-G. GRCh37 (hg19) VCF-style: chr11-108155085-A-G.
Other names: c.3878A>G, p.Asn1293Ser (NM_001351834.2); c.3878A>G (NM_000051.3); short protein forms N1293S.
Identifiers: ClinVar variation 999323 (VCV000999323.12), dbSNP rs2082382534, ClinGen allele CA382525409.

ClinVar aggregate classification (germline): Conflicting classifications of pathogenicity. Review status: criteria provided, conflicting classifications (1 of 4 stars). 3 submissions from 3 submitters: Likely pathogenic (1); Uncertain significance (2). Last evaluated 2026-02-03.

Conditions:
Ataxia-telangiectasia syndrome (AT). Also called: Ataxia-telangiectasia, complementation group D; AT, COMPLEMENTATION GROUP C; ATAXIA-TELANGIECTASIA, FRESNO VARIANT; ATAXIA-TELANGIECTASIA, COMPLEMENTATION GROUP A; Ataxia-telangiectasia, complementation group E; Ataxia telangiectasia (A-T). Identifiers: Orphanet 100, MedGen C0004135, MONDO:0008840, OMIM 208900.
Hereditary cancer-predisposing syndrome. Also called: Neoplastic Syndromes, Hereditary; Hereditary neoplastic syndrome; Hereditary Cancer Syndrome; Tumor predisposition. Identifiers: Orphanet 140162, MedGen C0027672, MeSH D009386, MONDO:0015356.

Submissions (3):

Labcorp Genetics (formerly Invitae), Labcorp
Classification: Uncertain significance for Ataxia-telangiectasia syndrome. Last evaluated: 2026-02-03. Review status: criteria provided, single submitter. Criteria: Invitae Variant Classification Sherloc (09022015). Collection method: clinical testing. Allele origin: germline.
Comment: This sequence change replaces asparagine, which is neutral and polar, with serine, which is neutral and polar, at codon 1293 of the ATM protein (p.Asn1293Ser). RNA analysis indicates that this missense change induces altered splicing and likely results in the loss of 40 amino acid residue(s), but is expected to preserve the integrity of the reading-frame. This variant is not present in population databases (gnomAD no frequency). This variant has not been reported in the literature in individuals affected with ATM-related conditions. ClinVar contains an entry for this variant (Variation ID: 999323). Invitae Evidence Modeling of protein sequence and biophysical properties (such as structural, functional, and spatial information, amino acid conservation, physicochemical variation, residue mobility, and thermodynamic stability) indicates that this missense variant is not expected to disrupt ATM protein function with a negative predictive value of 95%. Studies have shown that this missense change results in the activation of a cryptic splice site in exon 26 (internal data). In summary, the available evidence is currently insufficient to determine the role of this variant in disease. Therefore, it has been classified as a Variant of Uncertain Significance.

Women's Health and Genetics/Laboratory Corporation of America, LabCorp
Classification: Uncertain significance. Last evaluated: 2025-01-21. Review status: criteria provided, single submitter. Criteria: LabCorp Variant Classification Summary - May 2015. Collection method: clinical testing. Allele origin: germline.
Comment: Variant summary: ATM c.3878A>G (p.Asn1293Ser) results in a conservative amino acid change in the encoded protein sequence. Four of five in-silico tools predict a benign effect of the variant on protein function. The variant was absent in 251282 control chromosomes. The available data on variant occurrences in the general population are insufficient to allow any conclusion about variant significance. To our knowledge, no occurrence of c.3878A>G in individuals affected with Ataxia-Telangiectasia and no experimental evidence demonstrating its impact on protein function have been reported. ClinVar contains an entry for this variant (Variation ID: 999323). Based on the evidence outlined above, the variant was classified as uncertain significance.

Ambry Genetics
Classification: Likely pathogenic for Hereditary cancer-predisposing syndrome. Last evaluated: 2023-06-02. Review status: criteria provided, single submitter. Criteria: Ambry Variant Classification Scheme 2023. Collection method: clinical testing. Allele origin: germline.
Comment: The c.3878A>G variant (also known as p.N1293S), located in coding exon 25 of the ATM gene, results from an A to G substitution at nucleotide position 3878. The asparagine at codon 1293 is replaced by serine, an amino acid with highly similar properties. This nucleotide position is highly conserved in available vertebrate species. In silico splice site analysis predicts that this alteration will result in the creation or strengthening of a novel splice donor site. RNA studies have demonstrated that this alteration results in abnormal splicing in the set of samples tested (Ambry internal data). Based on the majority of available evidence to date, this variant is likely to be pathogenic.